The following is an entry in ClinVar:

NM_002875.5(RAD51):c.944A>G (p.Tyr315Cys)

Gene: RAD51 (RAD51 recombinase; plus strand). Cytogenetic location: 15q15.1.
Variant type: single nucleotide variant.
Coding change: c.944A>G on transcript NM_002875.5 (MANE Select); coding-DNA position 944, A replaced by G.
Protein change: p.Tyr315Cys; replaces tyrosine 315 with cysteine.
Molecular consequence: missense variant. On other transcripts: synonymous variant (1).
Genome position (GRCh38, 1-based): chr15:40,731,102, A>G. VCF-style: chr15-40731102-A-G. GRCh37 (hg19) VCF-style: chr15-41023300-A-G.
Other names: c.947A>G, p.Tyr316Cys (NM_001164269.2, NM_133487.4); c.822A>G, p.Leu274= (NM_001164270.2); short protein forms Y316C, Y315C.
Identifiers: ClinVar variation 2462729 (VCV002462729.2), dbSNP rs2504537631, ClinGen allele CA391760860.
Genomic context (GRCh38, chr15:40,731,102, plus strand): 5'-GTCTTTGGGTCAGATTGTATCTGAGGAAAGGAAGAGGGGAAACCAGAATCTGCAAAATCT[A>G]CGACTCTCCCTGTCTTCCTGAAGCTGAAGCTATGTTCGCCATTAATGCAGATGGAGTGGG-3'
Protein context (NP_002866.2, residues 305-325): GRGETRICKI[Tyr315Cys]DSPCLPEAEA

ClinVar aggregate classification (germline): Uncertain significance (1 of 4 stars; one submission).

Conditions:
Inborn genetic diseases. Identifiers: MedGen C0950123, MeSH D030342.

Allele frequency attached by ClinVar (database versions not stated): gnomAD exomes below 0.00001.
gnomAD v4.1: 6 of 1,614,142 alleles (0.00037%); highest among the groups gnomAD compares: Middle Eastern, 0.016%; no homozygotes.

Submission:

Ambry Genetics
Classification: Uncertain significance for Inborn genetic diseases. Last evaluated: 2023-01-16. Review status: criteria provided, single submitter. Criteria: Ambry Variant Classification Scheme 2023. Collection method: clinical testing. Allele origin: germline.
Comment: The p.Y315C variant (also known as c.944A>G), located in coding exon 9 of the RAD51 gene, results from an A to G substitution at nucleotide position 944. The tyrosine at codon 315 is replaced by cysteine, an amino acid with highly dissimilar properties. This amino acid position is conserved. In addition, this alteration is predicted to be deleterious by in silico analysis. Since supporting evidence is limited at this time, the clinical significance of this alteration remains unclear.